The following is an entry in ClinVar:

NM_001366722.1(GRIP1):c.1295C>T (p.Thr432Ile)

Gene: GRIP1 (glutamate receptor interacting protein 1; minus strand). Cytogenetic location: 12q14.3.
Variant type: single nucleotide variant.
Coding change: c.1295C>T on transcript NM_001366722.1 (MANE Select); coding-DNA position 1295, C replaced by T.
Protein change: p.Thr432Ile; replaces threonine 432 with isoleucine.
Molecular consequence: missense variant.
Genome position (GRCh38, 1-based): chr12:66,455,468, G>A on the plus strand (C>T on the coding strand, the complement: GRIP1 is on the minus strand). VCF-style: chr12-66455468-G-A. GRCh37 (hg19) VCF-style: chr12-66849248-G-A.
Other names: c.1139C>T, p.Thr380Ile (NM_001178074.2, NM_001379351.1, NM_021150.4); c.1214C>T, p.Thr405Ile (NM_001366723.1, NM_001379348.1); c.1217C>T, p.Thr406Ile (NM_001366724.1, NM_001379347.1); c.1373C>T, p.Thr458Ile (NM_001379345.1); c.1295C>T, p.Thr432Ile (NM_001379346.1); c.1142C>T, p.Thr381Ile (NM_001379349.1); short protein forms T381I, T406I, T405I, T380I, T432I, T458I.
Identifiers: ClinVar variation 2068193 (VCV002068193.4), dbSNP rs201326216, ClinGen allele CA6674416.

ClinVar aggregate classification (germline): Uncertain significance. Review status: criteria provided, multiple submitters, no conflicts (2 of 4 stars). 4 submissions from 4 submitters: Uncertain significance (4). Last evaluated 2024-11-22.

Conditions:
Inborn genetic diseases. Identifiers: MedGen C0950123, MeSH D030342.

Allele frequency attached by ClinVar (database versions not stated): ExAC 0.00012; gnomAD 0.00026; TOPMed 0.00031; 1000 Genomes Project 0.00040; 1000 Genomes Project 30x 0.00062.
gnomAD v4.1: 294 of 1,613,978 alleles (0.018%); highest among the groups gnomAD compares: Admixed American, 0.12%; no homozygotes.

Submissions (4):

GeneDx
Classification: Uncertain significance. Last evaluated: 2024-11-22. Review status: criteria provided, single submitter. Criteria: GeneDx Variant Classification Process June 2021. Collection method: clinical testing. Allele origin: germline. Affected: yes.
Comment: In silico analysis indicates that this missense variant does not alter protein structure/function; Has not been previously published as pathogenic or benign to our knowledge

Blueprint Genetics
Classification: Uncertain significance. Last evaluated: 2024-09-26. Review status: criteria provided, single submitter. Criteria: ACMG Guidelines, 2015. Collection method: clinical testing. Allele origin: germline.

Labcorp Genetics (formerly Invitae), Labcorp
Classification: Uncertain significance. Last evaluated: 2022-06-22. Review status: criteria provided, single submitter. Criteria: Invitae Variant Classification Sherloc (09022015). Collection method: clinical testing. Allele origin: germline.
Comment: This sequence change replaces threonine, which is neutral and polar, with isoleucine, which is neutral and non-polar, at codon 380 of the GRIP1 protein (p.Thr380Ile). This variant is present in population databases (rs201326216, gnomAD 0.1%). This variant has not been reported in the literature in individuals affected with GRIP1-related conditions. Algorithms developed to predict the effect of missense changes on protein structure and function are either unavailable or do not agree on the potential impact of this missense change (SIFT: "Deleterious"; PolyPhen-2: "Benign"; Align-GVGD: "Class C0"). In summary, the available evidence is currently insufficient to determine the role of this variant in disease. Therefore, it has been classified as a Variant of Uncertain Significance.

Ambry Genetics
Classification: Uncertain significance for Inborn genetic diseases. Last evaluated: 2021-08-02. Review status: criteria provided, single submitter. Criteria: Ambry Variant Classification Scheme 2023. Collection method: clinical testing. Allele origin: germline.